The following is an entry in ClinVar:

NM_005263.5(GFI1):c.352C>T (p.Pro118Ser)

Gene: GFI1 (growth factor independent 1 transcriptional repressor; minus strand). Cytogenetic location: 1p22.1.
Variant type: single nucleotide variant.
Coding change: c.352C>T on transcript NM_005263.5 (MANE Select); coding-DNA position 352, C replaced by T.
Protein change: p.Pro118Ser; replaces proline 118 with serine.
Molecular consequence: missense variant.
Genome position (GRCh38, 1-based): chr1:92,481,035, G>A on the plus strand (C>T on the coding strand, the complement: GFI1 is on the minus strand). VCF-style: chr1-92481035-G-A. GRCh37 (hg19) VCF-style: chr1-92946592-G-A.
Other names: c.352C>T, p.Pro118Ser (NM_001127215.3, NM_001127216.3); short protein forms P118S.
Identifiers: ClinVar variation 4263193 (VCV004263193.1).
Genomic context (GRCh38, chr1:92,481,035, plus strand): 5'-TCTGCACCAGGTGCCGCAGGTCAGAACCCGCCAGGCCGCTCCATGAGTACGGTTTGAAAG[G>A]CAGGGGGAAGGGCTGGGCTTCGTCCAGCGATGGGCACATTGACTTCTCCGAGGCTGTGGA-3'
Protein context (NP_005254.2, residues 108-128): SLDEAQPFPL[Pro118Ser]FKPYSWSGLA

ClinVar aggregate classification (germline): Uncertain significance (1 of 4 stars; one submission).

gnomAD v4.1: 1 of 1,612,088 alleles (0.000062%); highest among the groups gnomAD compares: Admixed American, 0.0017%; no homozygotes.

Submission:

Ambry Genetics
Classification: Uncertain significance. Last evaluated: 2025-07-09. Review status: criteria provided, single submitter. Criteria: Ambry Variant Classification Scheme 2023. Collection method: clinical testing. Allele origin: germline.
Comment: The p.P118S variant (also known as c.352C>T), located in coding exon 3 of the GFI1 gene, results from a C to T substitution at nucleotide position 352. The proline at codon 118 is replaced by serine, an amino acid with similar properties. This amino acid position is conserved. In addition, this alteration is predicted to be tolerated by in silico analysis. Based on the available evidence, the clinical significance of this variant remains unclear.